The following is an entry in ClinVar:

NM_021224.6(ZNF462):c.838C>A (p.Gln280Lys)

Gene: ZNF462 (zinc finger protein 462; plus strand). Cytogenetic location: 9q31.2.
Variant type: single nucleotide variant.
Coding change: c.838C>A on transcript NM_021224.6 (MANE Select); coding-DNA position 838, C replaced by A.
Protein change: p.Gln280Lys; replaces glutamine 280 with lysine.
Molecular consequence: missense variant.
Genome position (GRCh38, 1-based): chr9:106,924,750, C>A. VCF-style: chr9-106924750-C-A. GRCh37 (hg19) VCF-style: chr9-109687031-C-A.
Other names: c.838C>A, p.Gln280Lys (NM_001347997.2); short protein forms Q280K.
Identifiers: ClinVar variation 2388634 (VCV002388634.25), dbSNP rs778521296, ClinGen allele CA5171216.

ClinVar aggregate classification (germline): Conflicting classifications of pathogenicity. Review status: criteria provided, conflicting classifications (1 of 4 stars). 2 submissions from 2 submitters: Uncertain significance (1); Likely benign (1). Last evaluated 2023-11-01.

Conditions:
Inborn genetic diseases. Identifiers: MedGen C0950123, MeSH D030342.

Allele frequency attached by ClinVar (database versions not stated): ExAC 0.00002; TOPMed 0.00003; gnomAD 0.00005; gnomAD exomes 0.00020.

Submissions (2):

CeGaT Center for Human Genetics Tuebingen
Classification: Likely benign. Last evaluated: 2023-11-01. Review status: criteria provided, single submitter. Criteria: CeGaT Center For Human Genetics Tuebingen Variant Classification Criteria Version 2. Collection method: clinical testing. Allele origin: germline. Affected: yes. Observed: 1 variant allele.
Comment: ZNF462: BP4, BS2

Ambry Genetics
Classification: Uncertain significance for Inborn genetic diseases. Last evaluated: 2021-12-03. Review status: criteria provided, single submitter. Criteria: Ambry Variant Classification Scheme 2023. Collection method: clinical testing. Allele origin: germline.